The following is an entry in ClinVar:

ClinVar aggregate classification (germline): Uncertain significance (1 of 4 stars; one submission).

Conditions:
Arrhythmogenic right ventricular dysplasia 10. Also called: Arrhythmogenic right ventricular dysplasia/cardiomyopathy, type 10; ARRHYTHMOGENIC RIGHT VENTRICULAR DYSPLASIA, FAMILIAL, 10; Arrhythmogenic Right Ventricular Dysplasia/Cardiomyopathy10. Identifiers: MedGen C1857777, MONDO:0012434, OMIM 610193.

Allele frequency attached by ClinVar (database versions not stated): ExAC 0.00001; gnomAD exomes 0.00001; TOPMed 0.00002; gnomAD 0.00004.
gnomAD v4.1: 9 of 1,592,362 alleles (0.00057%); highest among the groups gnomAD compares: African/African-American, 0.012%; no homozygotes.

Submission:

Labcorp Genetics (formerly Invitae), Labcorp
Classification: Uncertain significance for Arrhythmogenic right ventricular dysplasia 10. Last evaluated: 2025-10-29. Review status: criteria provided, single submitter. Criteria: Invitae Variant Classification Sherloc (09022015). Collection method: clinical testing. Allele origin: germline.
Comment: This sequence change falls in intron 5 of the DSG2 gene. It does not directly change the encoded amino acid sequence of the DSG2 protein. It affects a nucleotide within the consensus splice site. The frequency data for this variant in the population databases is considered unreliable, as metrics indicate poor data quality at this position in the gnomAD database. This variant has not been reported in the literature in individuals affected with DSG2-related conditions. ClinVar contains an entry for this variant (Variation ID: 466345). Variants that disrupt the consensus splice site are a relatively common cause of aberrant splicing (PMID: 17576681, 9536098). Algorithms developed to predict the effect of sequence changes on RNA splicing suggest that this variant is not likely to affect RNA splicing. In summary, the available evidence is currently insufficient to determine the role of this variant in disease. Therefore, it has been classified as a Variant of Uncertain Significance.

Literature cited by the submitters: PubMed 17576681; PubMed 9536098.

NM_001943.5(DSG2):c.523+6A>G

Gene: DSG2 (desmoglein 2; plus strand). Cytogenetic location: 18q12.1.
Variant type: single nucleotide variant.
Coding change: c.523+6A>G on transcript NM_001943.5 (MANE Select); 6 bases into the intron after coding-DNA position 523, A replaced by G.
Molecular consequence: intron variant.
Genome position (GRCh38, 1-based): chr18:31,521,249, A>G. VCF-style: chr18-31521249-A-G. GRCh37 (hg19) VCF-style: chr18-29101212-A-G.
Other names: c.523+6A>G (LRG_397t1).
Identifiers: ClinVar variation 466345 (VCV000466345.8), dbSNP rs769467654, ClinGen allele CA049267.